The following is an entry in ClinVar:

NM_030665.4(RAI1):c.3515G>A (p.Arg1172His)

Gene: RAI1 (retinoic acid induced 1; plus strand). Cytogenetic location: 17p11.2.
Variant type: single nucleotide variant.
Coding change: c.3515G>A on transcript NM_030665.4 (MANE Select); coding-DNA position 3515, G replaced by A.
Protein change: p.Arg1172His; replaces arginine 1172 with histidine.
Molecular consequence: missense variant.
Genome position (GRCh38, 1-based): chr17:17,796,463, G>A. VCF-style: chr17-17796463-G-A. GRCh37 (hg19) VCF-style: chr17-17699777-G-A.
Other names: c.3515G>A (NM_030665.3); short protein forms R1172H.
Identifiers: ClinVar variation 2073546 (VCV002073546.8), dbSNP rs527868421, ClinGen allele CA8418742.

ClinVar aggregate classification (germline): Benign/Likely benign. Review status: criteria provided, multiple submitters, no conflicts (2 of 4 stars). 3 submissions from 3 submitters: Benign (1); Likely benign (1). 1 of the submissions does not count toward it. Last evaluated 2026-02-02.

Conditions:
RAI1-related disorder. Also called: RAI1-related condition.
Inborn genetic diseases. Identifiers: MedGen C0950123, MeSH D030342.

Allele frequency attached by ClinVar (database versions not stated): ExAC 0.00001; gnomAD 0.00002; TOPMed 0.00003; gnomAD exomes 0.00005; 1000 Genomes Project 30x 0.00016; 1000 Genomes Project 0.00020.
gnomAD v4.1: 83 of 1,612,384 alleles (0.0051%); highest among the groups gnomAD compares: South Asian, 0.0099%; no homozygotes.

Submissions (3):

Labcorp Genetics (formerly Invitae), Labcorp
Classification: Benign. Last evaluated: 2026-02-02. Review status: criteria provided, single submitter. Criteria: Invitae Variant Classification Sherloc (09022015). Collection method: clinical testing. Allele origin: germline.

Ambry Genetics
Classification: Likely benign for Inborn genetic diseases. Last evaluated: 2025-06-18. Review status: criteria provided, single submitter. Criteria: Ambry Variant Classification Scheme 2023. Collection method: clinical testing. Allele origin: germline.

PreventionGenetics, part of Exact Sciences
Classification: Uncertain significance for RAI1-related condition. Last evaluated: 2024-01-19. Review status: no assertion criteria provided. Collection method: clinical testing. Allele origin: germline. Not counted in ClinVar's aggregate classification.
Comment: The RAI1 c.3515G>A variant is predicted to result in the amino acid substitution p.Arg1172His. To our knowledge, this variant has not been reported in the literature. This variant is reported in 0.0098% of alleles in individuals of South Asian descent in gnomAD. At this time, the clinical significance of this variant is uncertain due to the absence of conclusive functional and genetic evidence.